The following is an entry in ClinVar:

NM_001166108.2(PALLD):c.1965-12713C>G

Gene: PALLD (palladin, cytoskeletal associated protein; plus strand). Cytogenetic location: 4q32.3.
Variant type: single nucleotide variant.
Coding change: c.1965-12713C>G on transcript NM_001166108.2 (MANE Select); 12713 bases into the intron before coding-DNA position 1965, C replaced by G.
Molecular consequence: intron variant. On other transcripts: missense variant (1).
Genome position (GRCh38, 1-based): chr4:168,878,209, C>G. VCF-style: chr4-168878209-C-G. GRCh37 (hg19) VCF-style: chr4-169799360-C-G.
Other names: c.318C>G, p.Asp106Glu (NM_001166110.2); c.1965-12713C>G (NM_016081.4); c.819-12713C>G (NM_001166109.2); c.-157-12713C>G (NM_001367570.1, NM_001367568.1, NM_001367567.1 and 1 more transcripts); short protein forms D106E.
Identifiers: ClinVar variation 3693164 (VCV003693164.2).

ClinVar aggregate classification (germline): Uncertain significance (1 of 4 stars; one submission).

Conditions:
Pancreatic adenocarcinoma. Identifiers: MedGen C0281361, MONDO:0006047, HP:0006725.

Submission:

Labcorp Genetics (formerly Invitae), Labcorp
Classification: Uncertain significance for Pancreatic adenocarcinoma. Last evaluated: 2025-01-07. Review status: criteria provided, single submitter. Criteria: Invitae Variant Classification Sherloc (09022015). Collection method: clinical testing. Allele origin: germline.
Comment: This sequence change replaces aspartic acid, which is acidic and polar, with glutamic acid, which is acidic and polar, at codon 106 of the PALLD protein (p.Asp106Glu). This variant is not present in population databases (gnomAD no frequency). This variant has not been reported in the literature in individuals affected with PALLD-related conditions. An algorithm developed to predict the effect of missense changes on protein structure and function (PolyPhen-2) suggests that this variant is likely to be tolerated. In summary, the available evidence is currently insufficient to determine the role of this variant in disease. Therefore, it has been classified as a Variant of Uncertain Significance.